The following is an entry in ClinVar:

NM_000245.4(MET):c.1545G>C (p.Leu515Phe)

Gene: MET (MET proto-oncogene, receptor tyrosine kinase; plus strand). Cytogenetic location: 7q31.2.
Variant type: single nucleotide variant.
Coding change: c.1545G>C on transcript NM_000245.4 (MANE Select); coding-DNA position 1545, G replaced by C.
Protein change: p.Leu515Phe; replaces leucine 515 with phenylalanine.
Molecular consequence: missense variant.
Genome position (GRCh38, 1-based): chr7:116,740,869, G>C. VCF-style: chr7-116740869-G-C. GRCh37 (hg19) VCF-style: chr7-116380923-G-C.
Other names: c.1545G>C, p.Leu515Phe (NM_001127500.3, NM_001324401.3); c.255G>C, p.Leu85Phe (NM_001324402.2); short protein forms L515F, L85F.
Identifiers: ClinVar variation 454191 (VCV000454191.11), dbSNP rs1554391227, ClinGen allele CA368975017.

ClinVar aggregate classification (germline): Uncertain significance. Review status: criteria provided, multiple submitters, no conflicts (2 of 4 stars). 2 submissions from 2 submitters: Uncertain significance (2). Last evaluated 2025-06-08.

Conditions:
Renal cell carcinoma. Identifiers: Orphanet 217071, MedGen C0007134, MeSH D002292, MONDO:0005086, HP:0005584.
Hereditary cancer-predisposing syndrome. Also called: Hereditary Cancer Syndrome; Hereditary neoplastic syndrome; Neoplastic Syndromes, Hereditary; Tumor predisposition. Identifiers: Orphanet 140162, MedGen C0027672, MeSH D009386, MONDO:0015356.

Allele frequency attached by ClinVar (database versions not stated): TOPMed below 0.00001.
gnomAD v4.1: 2 of 1,614,042 alleles (0.00012%); highest among the groups gnomAD compares: East Asian, 0.0022%; no homozygotes.

Submissions (2):

Ambry Genetics
Classification: Uncertain significance for Hereditary cancer-predisposing syndrome. Last evaluated: 2025-06-08. Review status: criteria provided, single submitter. Criteria: Ambry Variant Classification Scheme 2023. Collection method: clinical testing. Allele origin: germline.
Comment: The p.L515F variant (also known as c.1545G>C), located in coding exon 4 of the MET gene, results from a G to C substitution at nucleotide position 1545. The leucine at codon 515 is replaced by phenylalanine, an amino acid with highly similar properties. This amino acid position is conserved. In addition, the in silico prediction for this alteration is inconclusive. Based on the available evidence, the clinical significance of this variant remains unclear.

Labcorp Genetics (formerly Invitae), Labcorp
Classification: Uncertain significance for Renal cell carcinoma. Last evaluated: 2025-05-28. Review status: criteria provided, single submitter. Criteria: Invitae Variant Classification Sherloc (09022015). Collection method: clinical testing. Allele origin: germline.
Comment: This sequence change replaces leucine, which is neutral and non-polar, with phenylalanine, which is neutral and non-polar, at codon 515 of the MET protein (p.Leu515Phe). This variant is not present in population databases (gnomAD no frequency). This variant has not been reported in the literature in individuals affected with MET-related conditions. ClinVar contains an entry for this variant (Variation ID: 454191). Invitae Evidence Modeling of protein sequence and biophysical properties (such as structural, functional, and spatial information, amino acid conservation, physicochemical variation, residue mobility, and thermodynamic stability) indicates that this missense variant is expected to disrupt MET protein function with a positive predictive value of 80%. In summary, the available evidence is currently insufficient to determine the role of this variant in disease. Therefore, it has been classified as a Variant of Uncertain Significance.